The following is an entry in ClinVar:

NM_178857.6(RP1L1):c.249A>G (p.Thr83=)

Gene: RP1L1 (RP1 like 1). Cytogenetic location: 8p23.1.
Variant type: single nucleotide variant.
Coding change: c.249A>G on transcript NM_178857.6 (MANE Select); coding-DNA position 249, A replaced by G.
Protein change: p.Thr83=; no amino-acid change (threonine 83 retained).
Molecular consequence: synonymous variant.
Genome position (GRCh38, 1-based): chr8:10,622,953, T>C on the plus strand (A>G on the coding strand, the complement: RP1L1 is on the minus strand). VCF-style: chr8-10622953-T-C. GRCh37 (hg19) VCF-style: chr8-10480463-T-C.
Identifiers: ClinVar variation 361421 (VCV000361421.18), dbSNP rs201392821, ClinGen allele CA4625795.

ClinVar aggregate classification (germline): Benign/Likely benign. Review status: criteria provided, multiple submitters, no conflicts (2 of 4 stars). 6 submissions from 6 submitters: Benign (3); Likely benign (1). 2 of the submissions do not count toward it. Last evaluated 2026-02-02.

Conditions:
Occult macular dystrophy (OCMD). Also called: OMD; OCCULT MACULAR DYSTROPHY, SUSCEPTIBILITY TO. Identifiers: Orphanet 247834, MedGen C3150833, MONDO:0013316, OMIM 613587, HP:0030636.

Allele frequency attached by ClinVar (database versions not stated): gnomAD exomes 0.00067; ExAC 0.00070; 1000 Genomes Project 30x 0.00094; 1000 Genomes Project 0.00100; ESP Exome Variant Server 0.00144; TOPMed 0.00202.
gnomAD v4.1: 869 of 1,613,796 alleles (0.054%); highest among the groups gnomAD compares: African/African-American, 0.49%; 4 homozygotes.

Submissions (6):

Labcorp Genetics (formerly Invitae), Labcorp
Classification: Benign. Last evaluated: 2026-02-02. Review status: criteria provided, single submitter. Criteria: Invitae Variant Classification Sherloc (09022015). Collection method: clinical testing. Allele origin: germline.

Blueprint Genetics
Classification: Likely benign. Last evaluated: 2024-10-14. Review status: criteria provided, single submitter. Criteria: ACMG Guidelines, 2015. Collection method: clinical testing. Allele origin: germline.

Illumina Laboratory Services, Illumina
Classification: Benign for Occult macular dystrophy. Last evaluated: 2018-01-13. Review status: criteria provided, single submitter. Criteria: ICSL Variant Classification Criteria 13 December 2019. Collection method: clinical testing. Allele origin: germline.
Comment: This variant was observed in the ICSL laboratory as part of a predisposition screen in an ostensibly healthy population. It had not been previously curated by ICSL or reported in the Human Gene Mutation Database (HGMD: prior to June 1st, 2018), and was therefore a candidate for classification through an automated scoring system. Utilizing variant allele frequency, disease prevalence and penetrance estimates, and inheritance mode, an automated score was calculated to assess if this variant is too frequent to cause the disease. Based on the score and internal cut-off values, a variant classified as benign is not then subjected to further curation. The score for this variant resulted in a classification of benign for this disease.

Breakthrough Genomics
Classification: Benign. Review status: criteria provided, single submitter. Criteria: ACMG Guidelines, 2015. Collection method: not provided. Allele origin: germline. Inheritance: Autosomal recessive inheritance. Affected: yes.

Clinical Genetics DNA and cytogenetics Diagnostics Lab, Erasmus MC, Erasmus Medical Center
Classification: Likely benign. Review status: no assertion criteria provided. Collection method: clinical testing. Allele origin: germline. Affected: yes. Study: VKGL Data-share Consensus. Not counted in ClinVar's aggregate classification.

Clinical Genetics, Academic Medical Center
Classification: Benign. Review status: no assertion criteria provided. Collection method: clinical testing. Allele origin: germline. Affected: yes. Study: VKGL Data-share Consensus. Not counted in ClinVar's aggregate classification.